The following is an entry in ClinVar:

ClinVar aggregate classification (germline): Conflicting classifications of pathogenicity. Review status: criteria provided, conflicting classifications (1 of 4 stars). 4 submissions from 4 submitters: Uncertain significance (1); Likely benign (2). 1 of the submissions does not count toward it. Last evaluated 2025-09-02.

Conditions:
Coronary artery disease, autosomal dominant 2 (ADCAD2). Identifiers: MedGen C1970440, MONDO:0012586, OMIM 610947.
Tooth agenesis, selective, 7 (STHAG7). Identifiers: Orphanet 99798, MedGen C4225231, MONDO:0014749, OMIM 616724.
Inborn genetic diseases. Identifiers: MedGen C0950123, MeSH D030342.
LRP6-related disorder. Also called: LRP6-related condition.

Allele frequency attached by ClinVar (database versions not stated): gnomAD exomes 0.00021 and 0.00036; ESP Exome Variant Server 0.00023; TOPMed 0.00025; gnomAD 0.00029; ExAC 0.00030.
gnomAD v4.1: 360 of 1,614,020 alleles (0.022%); highest among the groups gnomAD compares: Non-Finnish European, 0.0075%; no homozygotes.

Submissions (4):

Labcorp Genetics (formerly Invitae), Labcorp
Classification: Likely benign. Last evaluated: 2025-09-02. Review status: criteria provided, single submitter. Criteria: Invitae Variant Classification Sherloc (09022015). Collection method: clinical testing. Allele origin: germline.

Ambry Genetics
Classification: Uncertain significance for Inborn genetic diseases. Last evaluated: 2023-05-09. Review status: criteria provided, single submitter. Criteria: Ambry Variant Classification Scheme 2023. Collection method: clinical testing. Allele origin: germline.

Department of Pathology and Laboratory Medicine, Sinai Health System
Classification: Likely benign for Coronary artery disease, autosomal dominant 2; Tooth agenesis, selective, 7. Last evaluated: 2021-07-30. Review status: criteria provided, single submitter. Criteria: ACMG Guidelines, 2015. Collection method: research. Allele origin: germline.

PreventionGenetics, part of Exact Sciences
Classification: Benign for LRP6-related condition. Last evaluated: 2019-09-09. Review status: no assertion criteria provided. Collection method: clinical testing. Allele origin: germline. Not counted in ClinVar's aggregate classification.
Comment: This variant is classified as benign based on ACMG/AMP sequence variant interpretation guidelines (Richards et al. 2015 PMID: 25741868, with internal and published modifications).

NM_002336.3(LRP6):c.752A>G (p.Asn251Ser)

Gene: LRP6 (LDL receptor related protein 6; minus strand). Cytogenetic location: 12p13.2.
Variant type: single nucleotide variant.
Coding change: c.752A>G on transcript NM_002336.3 (MANE Select); coding-DNA position 752, A replaced by G.
Protein change: p.Asn251Ser; replaces asparagine 251 with serine.
Molecular consequence: missense variant.
Genome position (GRCh38, 1-based): chr12:12,187,015, T>C on the plus strand (A>G on the coding strand, the complement: LRP6 is on the minus strand). VCF-style: chr12-12187015-T-C. GRCh37 (hg19) VCF-style: chr12-12339949-T-C.
Other names: short protein forms N251S.
Identifiers: ClinVar variation 732299 (VCV000732299.11), dbSNP rs144346961, ClinGen allele CA6455813.
Genomic context (GRCh38, chr12:12,187,015, plus strand): 5'-ATATCCATGGGAGAGAAGATGTCAGAATGGATTTCACGCAGACCCTCACCAGTATACTTG[T>C]TGCAAGCCAAAATGGAGTGTGTGCTCCAGTCAGTCCAGTACAATATGTCCTCAAATAACG-3'
Protein context (NP_002327.2, residues 241-261): DWSTHSILAC[Asn251Ser]KYTGEGLREI